The following is an entry in ClinVar:

ClinVar aggregate classification (germline): Pathogenic. Review status: criteria provided, multiple submitters, no conflicts (2 of 4 stars). 2 submissions from 2 submitters: Pathogenic (2). Last evaluated 2020-05-07.

Conditions:
Townes syndrome (TBS). Also called: Townes-Brocks syndrome. Identifiers: Orphanet 857, MedGen C0265246, MeSH C536974, MONDO:0007142.
Hearing impairment. Also called: Impaired Hearing. Identifiers: MedGen C1384666, MONDO:0005365, HP:0000365.

Submissions (2):

Cambridge Genomics Laboratory, East Genomic Laboratory Hub, NHS Genomic Medicine Service
Classification: Pathogenic for Hearing impairment. Last evaluated: 2020-05-07. Review status: criteria provided, single submitter. Criteria: ACGS Best Practice Guidelines for Variant Classification in Rare Disease 2020. Collection method: clinical testing. Allele origin: germline. Affected: yes. Observed: 1 variant allele.

Labcorp Genetics (formerly Invitae), Labcorp
Classification: Pathogenic for Townes syndrome. Last evaluated: 2020-01-24. Review status: criteria provided, single submitter. Criteria: Invitae Variant Classification Sherloc (09022015). Collection method: clinical testing. Allele origin: germline.
Comment: This variant is not present in population databases (ExAC no frequency). This sequence change results in a premature translational stop signal in the SALL1 gene (p.Leu299Serfs*17). While this is not anticipated to result in nonsense mediated decay, it is expected to disrupt the last 1026 amino acids of the SALL1 protein. This variant has been observed in individual(s) with clinical features of Townes-Brocks Syndrome (Invitae). This variant disrupts a region that is critical for SALL1 protein function (PMID: 16088922, 9973281). For these reasons, this variant has been classified as Pathogenic.

Literature cited by the submitters: PubMed 16088922 (cited by Labcorp Genetics (formerly Invitae), Labcorp); PubMed 9973281 (cited by Labcorp Genetics (formerly Invitae), Labcorp).

NM_002968.3(SALL1):c.881_893dup (p.Leu299fs)

Gene: SALL1 (spalt like transcription factor 1; minus strand). Cytogenetic location: 16q12.1.
Variant type: Duplication.
Coding change: c.881_893dup on transcript NM_002968.3 (MANE Select); coding-DNA positions 881 to 893, 13 bases duplicated (CAGCAGCAGCTGG).
Protein change: p.Leu299fs; shifts the reading frame from leucine 299.
Molecular consequence: frameshift variant.
Genome position (GRCh38, 1-based): chr16:51,141,329-51,141,341, CCAGCTGCTGCTG duplicated on the plus strand (CAGCAGCAGCTGG on the coding strand, the reverse complement: SALL1 is on the minus strand); duplicating any 13 consecutive bases within chr16:51,141,329-51,141,351 gives the same sequence; the c. name uses the placement nearest the transcript's 3' end. VCF-style (leftmost placement, unchanged base first): chr16-51141328-T-TCCAGCTGCTGCTG. GRCh37 (hg19) VCF-style: chr16-51175239-T-TCCAGCTGCTGCTG.
Other names: c.590_602dup, p.Leu202fs (NM_001127892.2); short protein forms L202fs, L299fs.
Identifiers: ClinVar variation 1070663 (VCV001070663.11), dbSNP rs2143448771, ClinGen allele CA2499223548.